The following is an entry in ClinVar:

ClinVar aggregate classification (germline): Uncertain significance (1 of 4 stars; one submission).

Conditions:
Cardiovascular phenotype. Identifiers: MedGen CN230736.

Allele frequency attached by ClinVar (database versions not stated): gnomAD 0.00001.

Submission:

Ambry Genetics
Classification: Uncertain significance for Cardiovascular phenotype. Last evaluated: 2023-09-06. Review status: criteria provided, single submitter. Criteria: Ambry Variant Classification Scheme 2023. Collection method: clinical testing. Allele origin: germline.
Comment: The c.29553G>C variant (also known as p.V9851V), located in coding exon 118 of the TTN gene, results from a G to C substitution at nucleotide position 29553. This nucleotide substitution does not change the valine at codon 9851. This nucleotide position is not well conserved in available vertebrate species. In silico splice site analysis for this alteration is inconclusive. Since supporting evidence is limited at this time, the clinical significance of this alteration remains unclear.

NM_001267550.2(TTN):c.56748G>C (p.Val18916=)

Genes: TTN (titin; minus strand), TTN-AS1 (TTN antisense RNA 1; plus strand). Cytogenetic location: 2q31.2.
Variant type: single nucleotide variant.
Coding change: c.56748G>C on transcript NM_001267550.2 (MANE Select); coding-DNA position 56748, G replaced by C.
Protein change: p.Val18916=; no amino-acid change (valine 18916 retained).
Molecular consequence: synonymous variant.
Genome position (GRCh38, 1-based): chr2:178,598,962, C>G on the plus strand (G>C on the coding strand, the complement: TTN is on the minus strand). VCF-style: chr2-178598962-C-G. GRCh37 (hg19) VCF-style: chr2-179463689-C-G.
Other names: c.51825G>C, p.Val17275= (NM_001256850.1); c.29553G>C, p.Val9851= (NM_003319.4); c.49044G>C, p.Val16348= (NM_133378.4); c.29928G>C, p.Val9976= (NM_133432.3); c.30129G>C, p.Val10043= (NM_133437.4).
Identifiers: ClinVar variation 2586570 (VCV002586570.2), dbSNP rs1256950504, ClinGen allele CA430268458.